The following is an entry in ClinVar:

ClinVar aggregate classification (germline): Uncertain significance (1 of 4 stars; one submission).

Allele frequency attached by ClinVar (database versions not stated): gnomAD exomes below 0.00001; TOPMed below 0.00001; gnomAD 0.00001.
gnomAD v4.1: 5 of 1,613,956 alleles (0.00031%); highest among the groups gnomAD compares: South Asian, 0.0011%; no homozygotes.

Submission:

Labcorp Genetics (formerly Invitae), Labcorp
Classification: Uncertain significance. Last evaluated: 2024-11-05. Review status: criteria provided, single submitter. Criteria: Invitae Variant Classification Sherloc (09022015). Collection method: clinical testing. Allele origin: germline.
Comment: This sequence change replaces methionine, which is neutral and non-polar, with isoleucine, which is neutral and non-polar, at codon 499 of the PPP2R5D protein (p.Met499Ile). The frequency data for this variant in the population databases is considered unreliable, as metrics indicate poor data quality at this position in the gnomAD database. This variant has not been reported in the literature in individuals affected with PPP2R5D-related conditions. ClinVar contains an entry for this variant (Variation ID: 2996730). An algorithm developed to predict the effect of missense changes on protein structure and function (PolyPhen-2) suggests that this variant is likely to be tolerated. In summary, the available evidence is currently insufficient to determine the role of this variant in disease. Therefore, it has been classified as a Variant of Uncertain Significance.

NM_006245.4(PPP2R5D):c.1497G>A (p.Met499Ile)

Gene: PPP2R5D (protein phosphatase 2 regulatory subunit B'delta; plus strand). Cytogenetic location: 6p21.1.
Variant type: single nucleotide variant.
Coding change: c.1497G>A on transcript NM_006245.4 (MANE Select); coding-DNA position 1497, G replaced by A.
Protein change: p.Met499Ile; replaces methionine 499 with isoleucine.
Molecular consequence: missense variant.
Genome position (GRCh38, 1-based): chr6:43,010,679, G>A. VCF-style: chr6-43010679-G-A. GRCh37 (hg19) VCF-style: chr6-42978417-G-A.
Other names: c.1044G>A, p.Met348Ile (NM_001270476.2); c.1401G>A, p.Met467Ile (NM_180976.3); c.1179G>A, p.Met393Ile (NM_180977.3); short protein forms M393I, M348I, M467I, M499I.
Identifiers: ClinVar variation 2996730 (VCV002996730.3), dbSNP rs1472078478, ClinGen allele CA364142118.